The following is an entry in ClinVar:

ClinVar aggregate classification (germline): Uncertain significance (1 of 4 stars; one submission).

Allele frequency attached by ClinVar (database versions not stated): gnomAD exomes 0.00001.
gnomAD v4.1: 17 of 1,613,994 alleles (0.0011%); highest among the groups gnomAD compares: Non-Finnish European, 0.0012%; no homozygotes.

Submission:

Labcorp Genetics (formerly Invitae), Labcorp
Classification: Uncertain significance. Last evaluated: 2022-07-25. Review status: criteria provided, single submitter. Criteria: Invitae Variant Classification Sherloc (09022015). Collection method: clinical testing. Allele origin: germline.
Comment: Variants that disrupt the consensus splice site are a relatively common cause of aberrant splicing (PMID: 17576681, 9536098). Algorithms developed to predict the effect of sequence changes on RNA splicing suggest that this variant is not likely to affect RNA splicing. This sequence change falls in intron 2 of the RIPK1 gene. It does not directly change the encoded amino acid sequence of the RIPK1 protein. It affects a nucleotide within the consensus splice site. This variant is present in population databases (no rsID available, gnomAD 0.002%). This variant has not been reported in the literature in individuals affected with RIPK1-related conditions. ClinVar contains an entry for this variant (Variation ID: 1354505). In summary, the available evidence is currently insufficient to determine the role of this variant in disease. Therefore, it has been classified as a Variant of Uncertain Significance.

Literature cited by the submitters: PubMed 17576681; PubMed 9536098.

NM_001354930.2(RIPK1):c.165-3C>T

Gene: RIPK1 (receptor interacting serine/threonine kinase 1; plus strand). Cytogenetic location: 6p25.2.
Variant type: single nucleotide variant.
Coding change: c.165-3C>T on transcript NM_001354930.2 (MANE Select); 3 bases into the intron before coding-DNA position 165, C replaced by T.
Molecular consequence: intron variant.
Genome position (GRCh38, 1-based): chr6:3,077,776, C>T. VCF-style: chr6-3077776-C-T. GRCh37 (hg19) VCF-style: chr6-3078010-C-T.
Other names: c.-439-3C>T (NM_001317061.3, NM_001354932.2, NM_001354934.2 and 1 more transcripts); c.165-3C>T (NM_003804.6, NM_001354931.2).
Identifiers: ClinVar variation 1354505 (VCV001354505.6), dbSNP rs1271127219, ClinGen allele CA565356872.